The following is an entry in ClinVar:

NM_000784.4(CYP27A1):c.785G>T (p.Arg262Leu)

Gene: CYP27A1 (cytochrome P450 family 27 subfamily A member 1; plus strand). Cytogenetic location: 2q35.
Variant type: single nucleotide variant.
Coding change: c.785G>T on transcript NM_000784.4 (MANE Select); coding-DNA position 785, G replaced by T.
Protein change: p.Arg262Leu; replaces arginine 262 with leucine.
Molecular consequence: missense variant.
Genome position (GRCh38, 1-based): chr2:218,812,690, G>T. VCF-style: chr2-218812690-G-T. GRCh37 (hg19) VCF-style: chr2-219677413-G-T.
Other names: c.785G>T (NM_000784.3); short protein forms R262L.
Identifiers: ClinVar variation 1431957 (VCV001431957.6), dbSNP rs757682669, ClinGen allele CA2112714.

ClinVar aggregate classification (germline): Uncertain significance. Review status: criteria provided, multiple submitters, no conflicts (2 of 4 stars). 2 submissions from 2 submitters: Uncertain significance (2). Last evaluated 2024-11-10.

Conditions:
CYP27A1-related disorder. Also called: CYP27A1-related condition.
Cholestanol storage disease (CTX). Also called: CEREBRAL CHOLESTERINOSIS; Cerebrotendinous Xanthomatosis; CTX: Cerebrotendinous xanthomatosis. Identifiers: Orphanet 909, MedGen C0238052, MONDO:0008948, OMIM 213700.

gnomAD v4.1: 34 of 1,614,040 alleles (0.0021%); highest among the groups gnomAD compares: African/African-American, 0.0027%; no homozygotes.

Submissions (2):

PreventionGenetics, part of Exact Sciences
Classification: Uncertain significance for CYP27A1-related condition. Last evaluated: 2024-11-10. Review status: criteria provided, single submitter. Criteria: ACMG Guidelines, 2015. Collection method: clinical testing. Allele origin: germline.
Comment: The CYP27A1 c.785G>T variant is predicted to result in the amino acid substitution p.Arg262Leu. To our knowledge, this variant has not been reported in the literature. This variant is reported in 0.0018% of alleles in individuals of European (Non-Finnish) descent in gnomAD. At this time, the clinical significance of this variant is uncertain due to the absence of conclusive functional and genetic evidence.

Labcorp Genetics (formerly Invitae), Labcorp
Classification: Uncertain significance for Cholestanol storage disease. Last evaluated: 2022-07-17. Review status: criteria provided, single submitter. Criteria: Invitae Variant Classification Sherloc (09022015). Collection method: clinical testing. Allele origin: germline.
Comment: This sequence change replaces arginine, which is basic and polar, with leucine, which is neutral and non-polar, at codon 262 of the CYP27A1 protein (p.Arg262Leu). This variant is present in population databases (rs757682669, gnomAD 0.002%). This variant has not been reported in the literature in individuals affected with CYP27A1-related conditions. ClinVar contains an entry for this variant (Variation ID: 1431957). Algorithms developed to predict the effect of missense changes on protein structure and function are either unavailable or do not agree on the potential impact of this missense change (SIFT: "Deleterious"; PolyPhen-2: "Benign"; Align-GVGD: "Class C65"). In summary, the available evidence is currently insufficient to determine the role of this variant in disease. Therefore, it has been classified as a Variant of Uncertain Significance.